The following is an entry in ClinVar:

NM_198271.5(LMOD3):c.1355C>G (p.Pro452Arg)

Gene: LMOD3 (leiomodin 3; minus strand). Cytogenetic location: 3p14.1.
Variant type: single nucleotide variant.
Coding change: c.1355C>G on transcript NM_198271.5 (MANE Select); coding-DNA position 1355, C replaced by G.
Protein change: p.Pro452Arg; replaces proline 452 with arginine.
Molecular consequence: missense variant.
Genome position (GRCh38, 1-based): chr3:69,119,000, G>C on the plus strand (C>G on the coding strand, the complement: LMOD3 is on the minus strand). VCF-style: chr3-69119000-G-C. GRCh37 (hg19) VCF-style: chr3-69168151-G-C.
Other names: c.1355C>G, p.Pro452Arg (NM_001304418.3); short protein forms P452R.
Identifiers: ClinVar variation 2116371 (VCV002116371.4), dbSNP rs750436069, ClinGen allele CA353471036.

ClinVar aggregate classification (germline): Uncertain significance (1 of 4 stars; one submission).

Conditions:
Nemaline myopathy 10 (NEM10). Identifiers: MedGen C4015360, MONDO:0014513, OMIM 616165.

Submission:

Labcorp Genetics (formerly Invitae), Labcorp
Classification: Uncertain significance for Nemaline myopathy 10. Last evaluated: 2022-04-03. Review status: criteria provided, single submitter. Criteria: Invitae Variant Classification Sherloc (09022015). Collection method: clinical testing. Allele origin: germline.
Comment: Algorithms developed to predict the effect of missense changes on protein structure and function are either unavailable or do not agree on the potential impact of this missense change (SIFT: "Tolerated"; PolyPhen-2: "Possibly Damaging"; Align-GVGD: "Class C0"). In summary, the available evidence is currently insufficient to determine the role of this variant in disease. Therefore, it has been classified as a Variant of Uncertain Significance. This variant has not been reported in the literature in individuals affected with LMOD3-related conditions. This variant is not present in population databases (gnomAD no frequency). This sequence change replaces proline, which is neutral and non-polar, with arginine, which is basic and polar, at codon 452 of the LMOD3 protein (p.Pro452Arg).